The following is an entry in ClinVar:

NM_004977.3(KCNC3):c.2081C>T (p.Thr694Met)

Gene: KCNC3 (potassium voltage-gated channel subfamily C member 3; minus strand). Cytogenetic location: 19q13.33.
Variant type: single nucleotide variant.
Coding change: c.2081C>T on transcript NM_004977.3 (MANE Select); coding-DNA position 2081, C replaced by T.
Protein change: p.Thr694Met; replaces threonine 694 with methionine.
Molecular consequence: missense variant. On other transcripts: non-coding transcript variant (1).
Genome position (GRCh38, 1-based): chr19:50,320,682, G>A on the plus strand (C>T on the coding strand, the complement: KCNC3 is on the minus strand). VCF-style: chr19-50320682-G-A. GRCh37 (hg19) VCF-style: chr19-50823939-G-A.
Other names: c.1853C>T, p.Thr618Met (NM_001372305.1); short protein forms T618M, T694M.
Identifiers: ClinVar variation 1971318 (VCV001971318.5), dbSNP rs769400159, ClinGen allele CA9594115.

ClinVar aggregate classification (germline): Uncertain significance (1 of 4 stars; one submission).

Allele frequency attached by ClinVar (database versions not stated): gnomAD exomes 0.00001; ExAC 0.00002; gnomAD 0.00003; TOPMed 0.00003.
gnomAD v4.1: 16 of 1,613,758 alleles (0.00099%); highest among the groups gnomAD compares: African/African-American, 0.0093%; 1 homozygote.

Submission:

Labcorp Genetics (formerly Invitae), Labcorp
Classification: Uncertain significance. Last evaluated: 2024-11-05. Review status: criteria provided, single submitter. Criteria: Invitae Variant Classification Sherloc (09022015). Collection method: clinical testing. Allele origin: germline.
Comment: This sequence change replaces threonine, which is neutral and polar, with methionine, which is neutral and non-polar, at codon 694 of the KCNC3 protein (p.Thr694Met). This variant is present in population databases (rs769400159, gnomAD 0.007%). This variant has not been reported in the literature in individuals affected with KCNC3-related conditions. ClinVar contains an entry for this variant (Variation ID: 1971318). An algorithm developed to predict the effect of missense changes on protein structure and function (PolyPhen-2) suggests that this variant is likely to be disruptive. In summary, the available evidence is currently insufficient to determine the role of this variant in disease. Therefore, it has been classified as a Variant of Uncertain Significance.